The following is an entry in ClinVar:

NM_001244008.2(KIF1A):c.5155G>A (p.Val1719Met)

Gene: KIF1A (kinesin family member 1A; minus strand). Cytogenetic location: 2q37.3.
Variant type: single nucleotide variant.
Coding change: c.5155G>A on transcript NM_001244008.2 (MANE Select); coding-DNA position 5155, G replaced by A.
Protein change: p.Val1719Met; replaces valine 1719 with methionine.
Molecular consequence: missense variant.
Genome position (GRCh38, 1-based): chr2:240,719,065, C>T on the plus strand (G>A on the coding strand, the complement: KIF1A is on the minus strand). VCF-style: chr2-240719065-C-T. GRCh37 (hg19) VCF-style: chr2-241658482-C-T.
Other names: c.4879G>A, p.Val1627Met (NM_001320705.2, NM_001379649.1); c.4906G>A, p.Val1636Met (NM_001330289.2); c.4954G>A, p.Val1652Met (NM_001330290.2, NM_001379648.1); c.5230G>A, p.Val1744Met (NM_001379631.1); c.5131G>A, p.Val1711Met (NM_001379632.1); c.5128G>A, p.Val1710Met (NM_001379633.1, NM_001379645.1); c.4981G>A, p.Val1661Met (NM_001379634.1); c.4978G>A, p.Val1660Met (NM_001379635.1, NM_001379646.1); and 8 more; short protein forms V1618M, V1719M, V1636M, V1652M, V1627M, V1617M, V1626M, V1635M.
Identifiers: ClinVar variation 464259 (VCV000464259.36), dbSNP rs200511467, ClinGen allele CA2207162.

ClinVar aggregate classification (germline): Conflicting classifications of pathogenicity. Review status: criteria provided, conflicting classifications (1 of 4 stars). 8 submissions from 8 submitters: Uncertain significance (6); Likely benign (1). 1 of the submissions does not count toward it. Last evaluated 2026-01-27.

Conditions:
KIF1A-related disorder. Also called: KIF1A-related disorders; KIF1A-related condition.
Inborn genetic diseases. Identifiers: MedGen C0950123, MeSH D030342.
Neuropathy, hereditary sensory, type 2C. Also called: Hereditary sensory and autonomic neuropathy type IIC; KIF1A-Related HSAN2 (HSAN2C). Identifiers: Orphanet 970, MedGen C3280168, MONDO:0013634, OMIM 614213.
Intellectual disability, autosomal dominant 9 (NESCAVS). Also called: NESCAV SYNDROME; KIF1A-Related Neurodevelopmental Disorder. Identifiers: Orphanet 662367, MedGen C5393830, MONDO:0013656, OMIM 614255.
Hereditary spastic paraplegia 30. Identifiers: Orphanet 101010, MedGen C5235139, MONDO:0012476.

Allele frequency attached by ClinVar (database versions not stated): TOPMed 0.00037; ESP Exome Variant Server 0.00008; gnomAD 0.00019 and 0.00021.
gnomAD v4.1: 183 of 1,612,306 alleles (0.011%); highest among the groups gnomAD compares: Admixed American, 0.13%; no homozygotes.

Submissions (8):

Labcorp Genetics (formerly Invitae), Labcorp
Classification: Likely benign for Hereditary spastic paraplegia 30; Neuropathy, hereditary sensory, type 2C; Intellectual disability, autosomal dominant 9. Last evaluated: 2026-01-27. Review status: criteria provided, single submitter. Criteria: Invitae Variant Classification Sherloc (09022015). Collection method: clinical testing. Allele origin: germline.

Ambry Genetics
Classification: Uncertain significance for Inborn genetic diseases. Last evaluated: 2025-10-03. Review status: criteria provided, single submitter. Criteria: Ambry Variant Classification Scheme 2023. Collection method: clinical testing. Allele origin: germline.
Comment: The p.V1618M variant (also known as c.4852G>A), located in coding exon 44 of the KIF1A gene, results from a G to A substitution at nucleotide position 4852. The valine at codon 1618 is replaced by methionine, an amino acid with highly similar properties. This amino acid position is not well conserved in available vertebrate species. This alteration is predicted to be tolerated by in silico analysis. Based on data from gnomAD, the frequency for this variant is above the maximum credible frequency for an autosomal dominant KIF1A-related neuronal disorder-causing variant in this gene based on internally established thresholds (Karczewski et al. Nature. 2020 May;581(7809):434-443; Whiffin et al. Genet Med. 2017 10;19:1151-1158). Based on the available evidence, the clinical significance of this variant remains unclear for autosomal recessive KIF1A-related spastic paraplegia; however, it is unlikely to be causative of autosomal dominant KIF1A-related neuronal disorder.

GeneDx
Classification: Uncertain significance. Last evaluated: 2024-04-25. Review status: criteria provided, single submitter. Criteria: GeneDx Variant Classification Process June 2021. Collection method: clinical testing. Allele origin: germline. Affected: yes.
Comment: Previously reported as V1719M due to alternative nomenclature, in individuals with an ataxic phenotype; however additional clinical details and segregation data were not provided (PMID: 34487232); In silico analysis indicates that this missense variant does not alter protein structure/function; This variant is associated with the following publications: (PMID: 26125038, 21820098, 21376300, 34487232)

Blueprint Genetics
Classification: Uncertain significance. Last evaluated: 2023-12-14. Review status: criteria provided, single submitter. Criteria: ACMG Guidelines, 2015. Collection method: clinical testing. Allele origin: germline.

Mayo Clinic Laboratories, Mayo Clinic
Classification: Uncertain significance. Last evaluated: 2020-11-10. Review status: criteria provided, single submitter. Criteria: ACMG Guidelines, 2015. Collection method: clinical testing. Allele origin: germline. Observed: 1 variant allele.

ARUP Laboratories, Molecular Genetics and Genomics, ARUP Laboratories
Classification: Uncertain significance. Last evaluated: 2018-04-26. Review status: criteria provided, single submitter. Criteria: ARUP Molecular Germline Variant Investigation Process. Collection method: clinical testing. Allele origin: germline.
Comment: The KIF1A c.4852G>A; p.Val1618Met variant (rs200511467, ClinVar variant ID 464259), to our knowledge, is not reported in the medical literature, gene specific variation databases, nor has it been previously identified by our laboratory. This variant is listed in the genome Aggregation Database (gnomAD) with a Latino population frequency of 0.2% (identified on 68 out of 34,318 chromosomes). The valine at position 1618 is moderately conserved, considering 13 species, and computational analyses of the effects of the p.Val1618Met variant on protein structure and function predict a deleterious effect (SIFT: damaging, PolyPhen-2: possibly damaging). Based on the available information, the clinical significance of the p.Val1618Met variant cannot be determined with certainty.

Illumina Laboratory Services, Illumina
Classification: Uncertain significance for Spastic paraplegia 30A, autosomal dominant. Last evaluated: 2018-01-13. Review status: criteria provided, single submitter. Criteria: ICSL Variant Classification Criteria 13 December 2019. Collection method: clinical testing. Allele origin: germline.

PreventionGenetics, part of Exact Sciences
Classification: Likely benign for KIF1A-related condition. Last evaluated: 2022-09-16. Review status: no assertion criteria provided. Collection method: clinical testing. Allele origin: germline. Not counted in ClinVar's aggregate classification.
Comment: This variant is classified as likely benign based on ACMG/AMP sequence variant interpretation guidelines (Richards et al. 2015 PMID: 25741868, with internal and published modifications).